The following is an entry in ClinVar:

NM_001267550.2(TTN):c.52332T>G (p.Arg17444=)

Genes: TTN-AS1 (TTN antisense RNA 1; plus strand), TTN (titin; minus strand). Cytogenetic location: 2q31.2.
Variant type: single nucleotide variant.
Coding change: c.52332T>G on transcript NM_001267550.2 (MANE Select); coding-DNA position 52332, T replaced by G.
Protein change: p.Arg17444=; no amino-acid change (arginine 17444 retained).
Molecular consequence: synonymous variant.
Genome position (GRCh38, 1-based): chr2:178,608,679, A>C on the plus strand (T>G on the coding strand, the complement: TTN is on the minus strand). VCF-style: chr2-178608679-A-C. GRCh37 (hg19) VCF-style: chr2-179473406-A-C.
Other names: c.47409T>G, p.Arg15803= (NM_001256850.1); c.25137T>G, p.Arg8379= (NM_003319.4); c.44628T>G, p.Arg14876= (NM_133378.4); c.25512T>G, p.Arg8504= (NM_133432.3); c.25713T>G, p.Arg8571= (NM_133437.4).
Identifiers: ClinVar variation 2926525 (VCV002926525.4), dbSNP rs373423993, ClinGen allele CA1994017.

ClinVar aggregate classification (germline): Conflicting classifications of pathogenicity. Review status: criteria provided, conflicting classifications (1 of 4 stars). 2 submissions from 2 submitters: Uncertain significance (1); Likely benign (1). Last evaluated 2025-09-03.

Conditions:
Cardiovascular phenotype. Identifiers: MedGen CN230736.
Dilated cardiomyopathy 1G (CMD1G). Identifiers: Orphanet 154, MedGen C1858763, MONDO:0011400, OMIM 604145.
Autosomal recessive limb-girdle muscular dystrophy type 2J (LGMDR10). Also called: Limb-girdle muscular dystrophy, type 2J; MUSCULAR DYSTROPHY, LIMB-GIRDLE, AUTOSOMAL RECESSIVE 10. Identifiers: Orphanet 140922, MedGen C1837342, MONDO:0012127, OMIM 608807.

Allele frequency attached by ClinVar (database versions not stated): ExAC 0.00001; gnomAD 0.00001; gnomAD exomes 0.00001; TOPMed 0.00002; ESP Exome Variant Server 0.00008.
gnomAD v4.1: 17 of 1,612,076 alleles (0.0011%); highest among the groups gnomAD compares: African/African-American, 0.0027%; no homozygotes.

Submissions (2):

Labcorp Genetics (formerly Invitae), Labcorp
Classification: Likely benign for Dilated cardiomyopathy 1G; Autosomal recessive limb-girdle muscular dystrophy type 2J. Last evaluated: 2025-09-03. Review status: criteria provided, single submitter. Criteria: Invitae Variant Classification Sherloc (09022015). Collection method: clinical testing. Allele origin: germline.

Ambry Genetics
Classification: Uncertain significance for Cardiovascular phenotype. Last evaluated: 2024-11-19. Review status: criteria provided, single submitter. Criteria: Ambry Variant Classification Scheme 2023. Collection method: clinical testing. Allele origin: germline.
Comment: The c.25137T>G variant (also known as p.R8379R), located in coding exon 101 of the TTN gene, results from a T to G substitution at nucleotide position 25137. This nucleotide substitution does not change the arginine at codon 8379. This nucleotide position is not well conserved in available vertebrate species. In silico splice site analysis for this alteration is inconclusive. Based on the available evidence, the clinical significance of this variant remains unclear.